The following is an entry in ClinVar:

ClinVar aggregate classification (germline): Pathogenic (1 of 4 stars; one submission).

Conditions:
Treacher Collins syndrome 1 (TCS1). Also called: TCOF1-Related Treacher Collins Syndrome. Identifiers: Orphanet 861, MedGen CN315775, MONDO:0007944, OMIM 154500.

Submission:

Labcorp Genetics (formerly Invitae), Labcorp
Classification: Pathogenic for Treacher Collins syndrome 1. Last evaluated: 2017-12-27. Review status: criteria provided, single submitter. Criteria: Invitae Variant Classification Sherloc (09022015). Collection method: clinical testing. Allele origin: germline.
Comment: For these reasons, this variant has been classified as Pathogenic. Experimental studies have shown that the final 160-190 amino acids of the TCOF1 protein contain nuclear and nucleolar localization signals. Deletion of these residues leads to mislocalization of the protein in cell culture-based assays (PMID: 9811939, 9736782). This variant is a gross deletion of the genomic region encompassing exons 18-26 of the TCOF1 gene. The 5' boundary is likely confined to intron 17. The 3' end of this event is unknown as it extends through the termination codon beyond the assayed region for this gene and may encompass additional genes. While this deletion is not anticipated to result in nonsense mediated decay, it is expected to create a truncated protein product or disrupt mRNA translation.

Literature cited by the submitters: PubMed 9811939; PubMed 9736782.

NC_000005.10:g.(?_150387882)_(150399068_?)del

Genes: TCOF1 (treacle ribosome biogenesis factor 1; plus strand), LOC129994988 (ATAC-STARR-seq lymphoblastoid active region 23401; plus strand), LOC129994989 (ATAC-STARR-seq lymphoblastoid active region 23402; plus strand). Cytogenetic location: 5q32.
Variant type: Deletion.
Identifiers: ClinVar variation 543946 (VCV000543946.8).